The following is an entry in ClinVar:

ClinVar aggregate classification (germline): Benign/Likely benign. Review status: criteria provided, multiple submitters, no conflicts (2 of 4 stars). 3 submissions from 3 submitters: Benign (1); Likely benign (2). Last evaluated 2026-06-10.

Conditions:
Inborn genetic diseases. Identifiers: MedGen C0950123, MeSH D030342.
Tumor predisposition syndrome 2 (TPDS2). Also called: MBD4-ASSOCIATED NEOPLASIA SYNDROME; MBD4-Related Tumor Predisposition Syndrome; MBD4-associated neoplasia syndrome (MANS). Identifiers: Orphanet 661526, MedGen C5774186, MONDO:0859267, OMIM 619975.

Allele frequency attached by ClinVar (database versions not stated): gnomAD exomes below 0.00001; gnomAD 0.00001; TOPMed 0.00001.
gnomAD v4.1: 3 of 1,614,016 alleles (0.00019%); highest among the groups gnomAD compares: Non-Finnish European, 0.00025%; no homozygotes.

Submissions (3):

Myriad Genetics, Inc.
Classification: Benign for Tumor predisposition syndrome 2. Last evaluated: 2026-06-10. Review status: criteria provided, single submitter. Criteria: Myriad Autosomal Dominant, Autosomal Recessive and X-Linked Classification Criteria (2023). Collection method: clinical testing. Allele origin: unknown.
Comment: This variant is considered benign. This variant is a silent/synonymous amino acid change and it is not expected to impact splicing.

Labcorp Genetics (formerly Invitae), Labcorp
Classification: Likely benign. Last evaluated: 2025-07-02. Review status: criteria provided, single submitter. Criteria: Invitae Variant Classification Sherloc (09022015). Collection method: clinical testing. Allele origin: germline.

Ambry Genetics
Classification: Likely benign for Inborn genetic diseases. Last evaluated: 2025-03-29. Review status: criteria provided, single submitter. Criteria: Ambry Variant Classification Scheme 2023. Collection method: clinical testing. Allele origin: germline.

NM_001276270.2(MBD4):c.1038G>A (p.Glu346=)

Gene: MBD4 (methyl-CpG binding domain 4, DNA glycosylase; minus strand). Cytogenetic location: 3q21.3.
Variant type: single nucleotide variant.
Coding change: c.1038G>A on transcript NM_001276270.2 (MANE Select); coding-DNA position 1038, G replaced by A.
Protein change: p.Glu346=; no amino-acid change (glutamic acid 346 retained).
Molecular consequence: synonymous variant. On other transcripts: intron variant (1).
Genome position (GRCh38, 1-based): chr3:129,436,606, C>T on the plus strand (G>A on the coding strand, the complement: MBD4 is on the minus strand). VCF-style: chr3-129436606-C-T. GRCh37 (hg19) VCF-style: chr3-129155449-C-T.
Other names: c.1038G>A, p.Glu346= (NM_001276271.2, NM_001276272.2, NM_003925.3); c.247+1202G>A (NM_001276273.2).
Identifiers: ClinVar variation 2799116 (VCV002799116.5), dbSNP rs917274015, ClinGen allele CA82636055.
Genomic context (GRCh38, chr3:129,436,606, plus strand): 5'-TTCCACAACTTCTACTTTTGTTCCGATTTCTTCAGATTCTAAAAAGGTATCCTCATACTT[C>T]TCGTTGTGTTCTGAGTCTTTGGCTGAACAAAATTTGTTTATGATGCCAGAAGTTTTTTGT-3'
Protein context (NP_001263199.1, residues 336-356): FCSAKDSEHN[Glu346=]KYEDTFLESE